The following is an entry in ClinVar:

NM_024105.4(ALG12):c.719G>A (p.Gly240Glu)

Gene: ALG12 (ALG12 alpha-1,6-mannosyltransferase; minus strand). Cytogenetic location: 22q13.33.
Variant type: single nucleotide variant.
Coding change: c.719G>A on transcript NM_024105.4 (MANE Select); coding-DNA position 719, G replaced by A.
Protein change: p.Gly240Glu; replaces glycine 240 with glutamic acid.
Molecular consequence: missense variant.
Genome position (GRCh38, 1-based): chr22:49,909,293, C>T on the plus strand (G>A on the coding strand, the complement: ALG12 is on the minus strand). VCF-style: chr22-49909293-C-T. GRCh37 (hg19) VCF-style: chr22-50302941-C-T.
Other names: short protein forms G240E.
Identifiers: ClinVar variation 1950833 (VCV001950833.3), dbSNP rs1345011862, ClinGen allele CA412074603.

ClinVar aggregate classification (germline): Uncertain significance (1 of 4 stars; one submission).

Conditions:
ALG12-congenital disorder of glycosylation (CDG1G). Also called: ALG12-CDG; Congenital disorder of glycosylation, type Ig; CDG Ig. Identifiers: Orphanet 79324, MedGen C2931001, MONDO:0011783, OMIM 607143.

Allele frequency attached by ClinVar (database versions not stated): gnomAD 0.00001; TOPMed 0.00001; gnomAD exomes 0.00004.
gnomAD v4.1: 54 of 1,614,144 alleles (0.0033%); highest among the groups gnomAD compares: Non-Finnish European, 0.0046%; no homozygotes.

Submission:

Labcorp Genetics (formerly Invitae), Labcorp
Classification: Uncertain significance for ALG12-congenital disorder of glycosylation. Last evaluated: 2022-08-21. Review status: criteria provided, single submitter. Criteria: Invitae Variant Classification Sherloc (09022015). Collection method: clinical testing. Allele origin: germline.
Comment: This sequence change replaces glycine, which is neutral and non-polar, with glutamic acid, which is acidic and polar, at codon 240 of the ALG12 protein (p.Gly240Glu). In summary, the available evidence is currently insufficient to determine the role of this variant in disease. Therefore, it has been classified as a Variant of Uncertain Significance. Algorithms developed to predict the effect of sequence changes on RNA splicing suggest that this variant may create or strengthen a splice site. Algorithms developed to predict the effect of missense changes on protein structure and function are either unavailable or do not agree on the potential impact of this missense change (SIFT: "Tolerated"; PolyPhen-2: "Probably Damaging"; Align-GVGD: "Class C0"). This variant has not been reported in the literature in individuals affected with ALG12-related conditions. This variant is present in population databases (no rsID available, gnomAD 0.0009%).